The following is an entry in ClinVar:

ClinVar aggregate classification (germline): Likely pathogenic. Review status: criteria provided, multiple submitters, no conflicts (2 of 4 stars). 2 submissions from 2 submitters: Likely pathogenic (2). Last evaluated 2025-08-13.

Conditions:
ABCC2-related disorder. Also called: ABCC2-related condition.

Allele frequency attached by ClinVar (database versions not stated): gnomAD 0.00001.
gnomAD v4.1: 1 of 1,613,892 alleles (0.000062%); highest among the groups gnomAD compares: Non-Finnish European, 0.000085%; no homozygotes.

Submissions (2):

PreventionGenetics, part of Exact Sciences
Classification: Likely pathogenic for ABCC2-related condition. Last evaluated: 2025-08-13. Review status: criteria provided, single submitter. Criteria: ACMG Guidelines, 2015. Collection method: clinical testing. Allele origin: germline.
Comment: The ABCC2 c.3259-1G>A variant is predicted to disrupt the AG splice acceptor site and interfere with normal splicing. To our knowledge, this variant has not been reported in the literature or in a large population database (gnomAD), indicating this variant is rare. Variants that disrupt the consensus splice acceptor site in ABCC2 are expected to be pathogenic. This variant is interpreted as likely pathogenic.

Labcorp Genetics (formerly Invitae), Labcorp
Classification: Likely pathogenic. Last evaluated: 2023-12-22. Review status: criteria provided, single submitter. Criteria: Invitae Variant Classification Sherloc (09022015). Collection method: clinical testing. Allele origin: germline.
Comment: This sequence change affects an acceptor splice site in intron 23 of the ABCC2 gene. It is expected to disrupt RNA splicing. Variants that disrupt the donor or acceptor splice site typically lead to a loss of protein function (PMID: 16199547), and loss-of-function variants in ABCC2 are known to be pathogenic (PMID: 9185779, 16549534, 16952291). This variant is not present in population databases (gnomAD no frequency). This variant has not been reported in the literature in individuals affected with ABCC2-related conditions. Algorithms developed to predict the effect of sequence changes on RNA splicing suggest that this variant may disrupt the consensus splice site. In summary, the currently available evidence indicates that the variant is pathogenic, but additional data are needed to prove that conclusively. Therefore, this variant has been classified as Likely Pathogenic.

Literature cited by the submitters: PubMed 16199547 (cited by Labcorp Genetics (formerly Invitae), Labcorp); PubMed 9185779 (cited by Labcorp Genetics (formerly Invitae), Labcorp); PubMed 16549534 (cited by Labcorp Genetics (formerly Invitae), Labcorp); PubMed 16952291 (cited by Labcorp Genetics (formerly Invitae), Labcorp).

NM_000392.5(ABCC2):c.3259-1G>A

Genes: ABCC2 (ATP binding cassette subfamily C member 2; plus strand), LOC126861013 (CDK7 strongly-dependent group 2 enhancer GRCh37_chr10:101593724-101594923; plus strand). Cytogenetic location: 10q24.2.
Variant type: single nucleotide variant.
Coding change: c.3259-1G>A on transcript NM_000392.5 (MANE Select); the canonical splice acceptor site of the intron before coding-DNA position 3259, G replaced by A.
Molecular consequence: splice acceptor variant.
Genome position (GRCh38, 1-based): chr10:99,834,379, G>A. VCF-style: chr10-99834379-G-A. GRCh37 (hg19) VCF-style: chr10-101594136-G-A.
Other names: c.3259-1G>A (NM_000392.4).
Identifiers: ClinVar variation 2704822 (VCV002704822.4), dbSNP rs2038785200, ClinGen allele CA378122956.